The following is an entry in ClinVar:

NM_001009944.3(PKD1):c.11176T>C (p.Trp3726Arg)

Genes: PKD1 (polycystin 1, transient receptor potential channel interacting; minus strand), PKD1-AS1 (PKD1 antisense RNA 1; plus strand). Cytogenetic location: 16p13.3.
Variant type: single nucleotide variant.
Coding change: c.11176T>C on transcript NM_001009944.3 (MANE Select); coding-DNA position 11176, T replaced by C.
Protein change: p.Trp3726Arg; replaces tryptophan 3726 with arginine.
Molecular consequence: missense variant.
Genome position (GRCh38, 1-based): chr16:2,092,573, A>G on the plus strand (T>C on the coding strand, the complement: PKD1 is on the minus strand). VCF-style: chr16-2092573-A-G. GRCh37 (hg19) VCF-style: chr16-2142574-A-G.
Other names: c.11173T>C, p.Trp3725Arg (NM_000296.4); c.11176T>C (NM_001009944.2); short protein forms W3725R, W3726R.
Identifiers: ClinVar variation 447949 (VCV000447949.7), dbSNP rs1555446411, ClinGen allele CA394336466.

ClinVar aggregate classification (germline): Pathogenic/Likely pathogenic. Review status: criteria provided, multiple submitters, no conflicts (2 of 4 stars). 5 submissions from 5 submitters: Pathogenic (1); Likely pathogenic (4). Last evaluated 2025-11-11.

Conditions:
PKD1-related disorder. Also called: PKD1-related condition.
Polycystic kidney disease, adult type (PKD1). Also called: Polycystic Kidney, Autosomal Dominant; POLYCYSTIC KIDNEY DISEASE 1 WITH OR WITHOUT POLYCYSTIC LIVER DISEASE; POLYCYSTIC KIDNEY DISEASE, ADULT, TYPE I; Polycystic Kidney Disease 1, Autosomal Dominant; Polycystic kidney disease 1; Polycystic kidney disease 1, severe. Identifiers: MedGen C3149841, MONDO:0008263, OMIM 173900.

Submissions (5):

Victorian Clinical Genetics Services, Murdoch Childrens Research Institute
Classification: Likely pathogenic for Polycystic kidney disease, adult type. Last evaluated: 2025-11-11. Review status: criteria provided, single submitter. Criteria: ACMG Guidelines, 2015. Collection method: clinical testing. Allele origin: germline. Affected: yes.
Comment: This variant is classified as Likely pathogenic. Evidence in support of pathogenic classification: Variant is absent from gnomAD (v2, v3 and v4); This variant has strong previous evidence of pathogenicity in unrelated individuals. This variant has been classified as pathogenic/likely pathogenic by clinical laboratories in ClinVar. Additionally, it has been reported in the literature in three unrelated individuals from ADPKD cohorts (PMID: 18640754, 39430052, 41032671); Missense variant predicted to be damaging by in silico tool(s) or highly conserved with a major amino acid change. Additional information: Variant is predicted to result in a missense amino acid change from Trp to Arg; This variant is heterozygous; This gene is associated with autosomal dominant disease. Polycystic kidney disease 1 (MIM#173900) is predominantly caused by monoallelic variants, with rare reports of biallelic variants causing disease (OMIM); No published functional evidence has been identified for this variant; Other missense variant(s) comparable to the one identified in this case have inconclusive previous evidence for pathogenicity. p.(Trp3726Cys) has been classified as a VUS by a clinical laboratory in ClinVar. Additionally, p.(Trp3725Ser), has been reported in the literature in an individual with ADPKD, who also harboured p.(Arg2200Cys), and segregation testing was not performed (PMID: 18837007). This publication referenced a different transcript, NM_000296.4; Variant is located in the annotated polycystin domain (DECIPHER); Loss of function is a known mechanism of disease in this gene and is associated with polycystic kidney disease 1 (MIM#173900); Inheritance information for this variant is not currently available in this individual.

GeneDx
Classification: Likely pathogenic. Last evaluated: 2025-07-09. Review status: criteria provided, single submitter. Criteria: GeneDx Variant Classification Process June 2021. Collection method: clinical testing. Allele origin: germline.
Comment: Not observed at significant frequency in large population cohorts (gnomAD); In silico analysis supports that this missense variant has a deleterious effect on protein structure/function; This variant is associated with the following publications: (PMID: 30093605, 18640754)

Fulgent Genetics
Classification: Likely pathogenic for Polycystic kidney disease, adult type. Last evaluated: 2024-03-27. Review status: criteria provided, single submitter. Criteria: ACMG Guidelines, 2015. Collection method: clinical testing. Allele origin: germline.

Blueprint Genetics
Classification: Likely pathogenic for PKD1-related disorders. Last evaluated: 2023-03-10. Review status: criteria provided, single submitter. Criteria: ACMG Guidelines, 2015. Collection method: clinical testing. Allele origin: germline. Affected: yes. Observed: 1 variant allele.

Athena Diagnostics
Classification: Pathogenic. Last evaluated: 2017-05-30. Review status: criteria provided, single submitter. Criteria: Athena Diagnostics Criteria. Collection method: clinical testing. Allele origin: germline.

Literature cited by the submitters: PubMed 18837007 (cited by Victorian Clinical Genetics Services, Murdoch Childrens Research Institute); PubMed 18640754 (cited by Victorian Clinical Genetics Services, Murdoch Childrens Research Institute and Athena Diagnostics); PubMed 39430052 (cited by Victorian Clinical Genetics Services, Murdoch Childrens Research Institute); PubMed 41032671 (cited by Victorian Clinical Genetics Services, Murdoch Childrens Research Institute).